The following is an entry in ClinVar:

NM_177438.3(DICER1):c.1501C>A (p.Gln501Lys)

Gene: DICER1 (dicer 1, ribonuclease III; minus strand). Cytogenetic location: 14q32.13.
Variant type: single nucleotide variant.
Coding change: c.1501C>A on transcript NM_177438.3 (MANE Select); coding-DNA position 1501, C replaced by A.
Protein change: p.Gln501Lys; replaces glutamine 501 with lysine.
Molecular consequence: missense variant. On other transcripts: 5 prime UTR variant (1), non-coding transcript variant (6).
Genome position (GRCh38, 1-based): chr14:95,117,630, G>T on the plus strand (C>A on the coding strand, the complement: DICER1 is on the minus strand). VCF-style: chr14-95117630-G-T. GRCh37 (hg19) VCF-style: chr14-95583967-G-T.
Other names: c.1501C>A, p.Gln501Lys (NM_001195573.1, NM_001271282.3, NM_001291628.2 and 13 more transcripts); c.1219C>A, p.Gln407Lys (NM_001395686.1); c.1096C>A, p.Gln366Lys (NM_001395687.1, NM_001395688.1, NM_001395689.1 and 3 more transcripts); c.934C>A, p.Gln312Lys (NM_001395691.1); c.-68C>A (NM_001395697.1); short protein forms Q312K, Q407K, Q501K, Q366K.
Identifiers: ClinVar variation 2766232 (VCV002766232.4), dbSNP rs1595414962, ClinGen allele CA390885398.
Genomic context (GRCh38, chr14:95,117,630, plus strand): 5'-TCTGTATATGTCCCGAAAACTGTTATTGTACACTTATTTTGATTTAAGTTACCTCTTCCT[G>T]TTTTCTGAATTCTGCTTCCATCTGTTTGTTGCGAGGCTGATTCTTCCCAATGCCATGTCC-3'
Protein context (NP_803187.1, residues 491-511): NKQMEAEFRK[Gln501Lys]EEVLRKFRAH

ClinVar aggregate classification (germline): Uncertain significance. Review status: criteria provided, multiple submitters, no conflicts (2 of 4 stars). 2 submissions from 2 submitters: Uncertain significance (2). Last evaluated 2024-07-29.

Conditions:
DICER1-related tumor predisposition. Also called: DICER1-related pleuropulmonary blastoma cancer predisposition syndrome; DICER1 syndrome. Identifiers: Orphanet 284343, MedGen C3839822, MONDO:0100216.
Hereditary cancer-predisposing syndrome. Also called: Hereditary neoplastic syndrome; Hereditary Cancer Syndrome; Neoplastic Syndromes, Hereditary; Tumor predisposition. Identifiers: Orphanet 140162, MedGen C0027672, MeSH D009386, MONDO:0015356.

Submissions (2):

Ambry Genetics
Classification: Uncertain significance for Hereditary cancer-predisposing syndrome. Last evaluated: 2024-07-29. Review status: criteria provided, single submitter. Criteria: Ambry Variant Classification Scheme 2023. Collection method: clinical testing. Allele origin: germline.
Comment: The p.Q501K variant (also known as c.1501C>A), located in coding exon 8 of the DICER1 gene, results from a C to A substitution at nucleotide position 1501. The glutamine at codon 501 is replaced by lysine, an amino acid with similar properties. This amino acid position is conserved. In addition, this alteration is predicted to be deleterious by in silico analysis. Based on the available evidence, the clinical significance of this variant remains unclear.

Labcorp Genetics (formerly Invitae), Labcorp
Classification: Uncertain significance for DICER1-related tumor predisposition. Last evaluated: 2023-10-06. Review status: criteria provided, single submitter. Criteria: Invitae Variant Classification Sherloc (09022015). Collection method: clinical testing. Allele origin: germline.
Comment: This sequence change replaces glutamine, which is neutral and polar, with lysine, which is basic and polar, at codon 501 of the DICER1 protein (p.Gln501Lys). This variant is not present in population databases (gnomAD no frequency). This variant has not been reported in the literature in individuals affected with DICER1-related conditions. Advanced modeling of protein sequence and biophysical properties (such as structural, functional, and spatial information, amino acid conservation, physicochemical variation, residue mobility, and thermodynamic stability) performed at Invitae indicates that this missense variant is expected to disrupt DICER1 protein function. In summary, the available evidence is currently insufficient to determine the role of this variant in disease. Therefore, it has been classified as a Variant of Uncertain Significance.